The following is an entry in ClinVar:

ClinVar aggregate classification (germline): Uncertain significance (1 of 4 stars; one submission).

Submission:

Labcorp Genetics (formerly Invitae), Labcorp
Classification: Uncertain significance. Last evaluated: 2022-07-27. Review status: criteria provided, single submitter. Criteria: Invitae Variant Classification Sherloc (09022015). Collection method: clinical testing. Allele origin: germline.
Comment: This sequence change replaces glycine, which is neutral and non-polar, with glutamic acid, which is acidic and polar, at codon 382 of the RARS2 protein (p.Gly382Glu). This variant is not present in population databases (gnomAD no frequency). In summary, the available evidence is currently insufficient to determine the role of this variant in disease. Therefore, it has been classified as a Variant of Uncertain Significance. Advanced modeling of protein sequence and biophysical properties (such as structural, functional, and spatial information, amino acid conservation, physicochemical variation, residue mobility, and thermodynamic stability) performed at Invitae indicates that this missense variant is expected to disrupt RARS2 protein function. This variant has not been reported in the literature in individuals affected with RARS2-related conditions.

NM_020320.5(RARS2):c.1145G>A (p.Gly382Glu)

Gene: RARS2 (arginyl-tRNA synthetase 2, mitochondrial; minus strand). Cytogenetic location: 6q15.
Variant type: single nucleotide variant.
Coding change: c.1145G>A on transcript NM_020320.5 (MANE Select); coding-DNA position 1145, G replaced by A.
Protein change: p.Gly382Glu; replaces glycine 382 with glutamic acid.
Molecular consequence: missense variant. On other transcripts: non-coding transcript variant (23).
Genome position (GRCh38, 1-based): chr6:87,519,675, C>T on the plus strand (G>A on the coding strand, the complement: RARS2 is on the minus strand). VCF-style: chr6-87519675-C-T. GRCh37 (hg19) VCF-style: chr6-88229393-C-T.
Other names: c.620G>A, p.Gly207Glu (NM_001318785.2, NM_001350506.2, NM_001350507.2 and 4 more transcripts); c.1145G>A, p.Gly382Glu (NM_001350505.2); short protein forms G207E, G382E.
Identifiers: ClinVar variation 1978393 (VCV001978393.4), dbSNP rs2483161712, ClinGen allele CA364924099.
Genomic context (GRCh38, chr6:87,519,675, plus strand): 5'-AATTGAATCTCATTTAAAACATCTTCCAGGAAAGTGACATCTCCTCTTCGAGTCTTCATT[C>T]CCTGTACTACTCCAAAGGGCACGTGCTGGCACCTAAAAGAGTGGGCATCTAGTTAACTGA-3'
Protein context (NP_064716.2, residues 372-392): CQHVPFGVVQ[Gly382Glu]MKTRRGDVTF